The following is an entry in ClinVar:

NM_001142864.4(PIEZO1):c.5148G>T (p.Leu1716=)

Gene: PIEZO1 (piezo type mechanosensitive ion channel component 1 (Er blood group); minus strand). Cytogenetic location: 16q24.3.
Variant type: single nucleotide variant.
Coding change: c.5148G>T on transcript NM_001142864.4 (MANE Select); coding-DNA position 5148, G replaced by T.
Protein change: p.Leu1716=; no amino-acid change (leucine 1716 retained).
Molecular consequence: synonymous variant.
Genome position (GRCh38, 1-based): chr16:88,721,874, C>A on the plus strand (G>T on the coding strand, the complement: PIEZO1 is on the minus strand). VCF-style: chr16-88721874-C-A. GRCh37 (hg19) VCF-style: chr16-88788282-C-A.
Other names: p.Leu1716=.
Identifiers: ClinVar variation 771917 (VCV000771917.33), dbSNP rs375856338, ClinGen allele CA8231949.

ClinVar aggregate classification (germline): Likely benign. Review status: criteria provided, multiple submitters, no conflicts (2 of 4 stars). 5 submissions from 5 submitters: Likely benign (4). 1 of the submissions does not count toward it. Last evaluated 2025-09-15.

Conditions:
PIEZO1-related disorder. Also called: PIEZO1-related condition; PIEZO1-Related Disorders.

Allele frequency attached by ClinVar (database versions not stated): ExAC 0.00023; ESP Exome Variant Server 0.00066; gnomAD 0.00066 and 0.00096; TOPMed 0.00139.
gnomAD v4.1: 1,234 of 1,549,934 alleles (0.08%); highest among the groups gnomAD compares: Middle Eastern, 0.17%; 4 homozygotes.

Submissions (5):

Labcorp Genetics (formerly Invitae), Labcorp
Classification: Likely benign. Last evaluated: 2025-09-15. Review status: criteria provided, single submitter. Criteria: Invitae Variant Classification Sherloc (09022015). Collection method: clinical testing. Allele origin: germline.

Mayo Clinic Laboratories, Mayo Clinic
Classification: Likely benign. Last evaluated: 2025-02-19. Review status: criteria provided, single submitter. Criteria: ACMG Guidelines, 2015. Collection method: clinical testing. Allele origin: germline. Observed: 5 variant alleles.
Comment: BP4, BP7

Blueprint Genetics
Classification: Likely benign. Last evaluated: 2024-11-23. Review status: criteria provided, single submitter. Criteria: ACMG Guidelines, 2015. Collection method: clinical testing. Allele origin: germline.

CeGaT Center for Human Genetics Tuebingen
Classification: Likely benign. Last evaluated: 2024-02-01. Review status: criteria provided, single submitter. Criteria: CeGaT Center For Human Genetics Tuebingen Variant Classification Criteria Version 2. Collection method: clinical testing. Allele origin: germline. Affected: yes. Observed: 1 variant allele.
Comment: PIEZO1: BP4, BP7

PreventionGenetics, part of Exact Sciences
Classification: Likely benign for PIEZO1-related condition. Last evaluated: 2020-03-25. Review status: no assertion criteria provided. Collection method: clinical testing. Allele origin: germline. Not counted in ClinVar's aggregate classification.
Comment: This variant is classified as likely benign based on ACMG/AMP sequence variant interpretation guidelines (Richards et al. 2015 PMID: 25741868, with internal and published modifications).